The following is an entry in ClinVar:

NM_148919.4(PSMB8):c.151A>C (p.Thr51Pro)

Gene: PSMB8 (proteasome 20S subunit beta 8; minus strand). Cytogenetic location: 6p21.32.
Variant type: single nucleotide variant.
Coding change: c.151A>C on transcript NM_148919.4 (MANE Select); coding-DNA position 151, A replaced by C.
Protein change: p.Thr51Pro; replaces threonine 51 with proline.
Molecular consequence: missense variant.
Genome position (GRCh38, 1-based): chr6:32,843,086, T>G on the plus strand (A>C on the coding strand, the complement: PSMB8 is on the minus strand). VCF-style: chr6-32843086-T-G. GRCh37 (hg19) VCF-style: chr6-32810863-T-G.
Other names: c.139A>C, p.Thr47Pro (NM_004159.5); short protein forms T47P, T51P.
Identifiers: ClinVar variation 1396344 (VCV001396344.8), dbSNP rs2127378839, ClinGen allele CA363589614.

ClinVar aggregate classification (germline): Uncertain significance (1 of 4 stars; one submission).

Conditions:
Proteosome-associated autoinflammatory syndrome. Also called: Proteasome-associated autoinflammatory syndrome. Identifiers: Orphanet 324977, MedGen C1850568, MONDO:0009726.

Submission:

Labcorp Genetics (formerly Invitae), Labcorp
Classification: Uncertain significance for Proteosome-associated autoinflammatory syndrome. Last evaluated: 2021-05-18. Review status: criteria provided, single submitter. Criteria: Invitae Variant Classification Sherloc (09022015). Collection method: clinical testing. Allele origin: germline.
Comment: In summary, the available evidence is currently insufficient to determine the role of this variant in disease. Therefore, it has been classified as a Variant of Uncertain Significance. Algorithms developed to predict the effect of missense changes on protein structure and function output the following: SIFT: "Tolerated"; PolyPhen-2: "Benign"; Align-GVGD: "Class C0". The proline amino acid residue is found in multiple mammalian species, suggesting that this missense change does not adversely affect protein function. These predictions have not been confirmed by published functional studies and their clinical significance is uncertain. This variant has not been reported in the literature in individuals with PSMB8-related conditions. This variant is not present in population databases (ExAC no frequency). This sequence change replaces threonine with proline at codon 51 of the PSMB8 protein (p.Thr51Pro). The threonine residue is weakly conserved and there is a small physicochemical difference between threonine and proline.